The following is an entry in ClinVar:

ClinVar aggregate classification (germline): Conflicting classifications of pathogenicity. Review status: criteria provided, conflicting classifications (1 of 4 stars). 2 submissions from 2 submitters: Uncertain significance (1); Likely benign (1). Last evaluated 2025-06-13.

Conditions:
Candidiasis, familial, 6 (CANDF6). Also called: Candidiasis, familial, 6, autosomal dominant. Identifiers: Orphanet 1334, MedGen C3151405, MONDO:0013503, OMIM 613956.

Allele frequency attached by ClinVar (database versions not stated): TOPMed 0.00022; ESP Exome Variant Server 0.00023; gnomAD 0.00029 and 0.00031.
gnomAD v4.1: 106 of 1,614,014 alleles (0.0066%); highest among the groups gnomAD compares: African/African-American, 0.091%; no homozygotes.

Submissions (2):

Labcorp Genetics (formerly Invitae), Labcorp
Classification: Uncertain significance for Candidiasis, familial, 6. Last evaluated: 2025-06-13. Review status: criteria provided, single submitter. Criteria: Invitae Variant Classification Sherloc (09022015). Collection method: clinical testing. Allele origin: germline.
Comment: This sequence change replaces arginine, which is basic and polar, with histidine, which is basic and polar, at codon 72 of the IL17F protein (p.Arg72His). This variant is present in population databases (rs144854652, gnomAD 0.09%), and has an allele count higher than expected for a pathogenic variant. This variant has not been reported in the literature in individuals affected with IL17F-related conditions. ClinVar contains an entry for this variant (Variation ID: 948947). An algorithm developed to predict the effect of missense changes on protein structure and function outputs the following: PolyPhen-2: "Benign". The histidine amino acid residue is found in multiple mammalian species, which suggests that this missense change does not adversely affect protein function. In summary, the available evidence is currently insufficient to determine the role of this variant in disease. Therefore, it has been classified as a Variant of Uncertain Significance.

Ambry Genetics
Classification: Likely benign. Last evaluated: 2023-09-14. Review status: criteria provided, single submitter. Criteria: Ambry Variant Classification Scheme 2023. Collection method: clinical testing. Allele origin: germline.

NM_052872.4(IL17F):c.215G>A (p.Arg72His)

Gene: IL17F (interleukin 17F; minus strand). Cytogenetic location: 6p12.2.
Variant type: single nucleotide variant.
Coding change: c.215G>A on transcript NM_052872.4 (MANE Select); coding-DNA position 215, G replaced by A.
Protein change: p.Arg72His; replaces arginine 72 with histidine.
Molecular consequence: missense variant.
Genome position (GRCh38, 1-based): chr6:52,238,769, C>T on the plus strand (G>A on the coding strand, the complement: IL17F is on the minus strand). VCF-style: chr6-52238769-C-T. GRCh37 (hg19) VCF-style: chr6-52103567-C-T.
Other names: short protein forms R72H.
Identifiers: ClinVar variation 948947 (VCV000948947.11), dbSNP rs144854652, ClinGen allele CA3854421.